The following is an entry in ClinVar:

ClinVar aggregate classification (germline): Uncertain significance. Review status: criteria provided, multiple submitters, no conflicts (2 of 4 stars). 3 submissions from 3 submitters: Uncertain significance (2). 1 of the submissions does not count toward it. Last evaluated 2025-04-18.

Conditions:
Kariminejad neurodevelopmental syndrome. Identifiers: MedGen C5975371, MONDO:0975795, OMIM 620937.

Allele frequency attached by ClinVar (database versions not stated): gnomAD 0.00004; 1000 Genomes Project 0.00020; TOPMed 0.00002; ExAC 0.00008; 1000 Genomes Project 30x 0.00016.

Submissions (3):

3billion
Classification: Uncertain significance for Kariminejad neurodevelopmental syndrome. Last evaluated: 2025-04-18. Review status: criteria provided, single submitter. Criteria: ACMG Guidelines, 2015. Collection method: clinical testing. Allele origin: germline. Affected: yes.

Ambry Genetics
Classification: Uncertain significance. Last evaluated: 2021-09-27. Review status: criteria provided, single submitter. Criteria: Ambry Variant Classification Scheme 2023. Collection method: clinical testing. Allele origin: germline.

Hong-Tao Li Lab, Institute of Brain Science and Brain-inspired Research, Shandong First Medical University & Shandong Academy of Medical Sciences China
Classification: Uncertain significance for Kariminejad neurodevelopmental syndrome. Review status: no assertion criteria provided. Collection method: research. Allele origin: germline. Inheritance: Autosomal recessive inheritance. Affected: yes. Observed: 1 variant allele, 1 homozygote. Not counted in ClinVar's aggregate classification.
Comment: Observed in affected individuals from a Pakistani neurodevelopmental-disorder research cohort of 263 individuals. Classification assigned using the ACMG/AMP framework. Population-frequency evidence: gnomAD AF 3.593e-05.

NM_022340.4(RBSN):c.527G>A (p.Arg176His)

Gene: RBSN (rabenosyn, RAB effector; minus strand). Cytogenetic location: 3p25.1.
Variant type: single nucleotide variant.
Coding change: c.527G>A on transcript NM_022340.4 (MANE Select); coding-DNA position 527, G replaced by A.
Protein change: p.Arg176His; replaces arginine 176 with histidine.
Molecular consequence: missense variant.
Genome position (GRCh38, 1-based): chr3:15,084,806, C>T on the plus strand (G>A on the coding strand, the complement: RBSN is on the minus strand). VCF-style: chr3-15084806-C-T. GRCh37 (hg19) VCF-style: chr3-15126313-C-T.
Other names: c.527G>A, p.Arg176His (NM_001302378.2); short protein forms R176H.
Identifiers: ClinVar variation 2252549 (VCV002252549.4), dbSNP rs578256587, ClinGen allele CA2273644.